The following is an entry in ClinVar:

NM_001365276.2(TNXB):c.2389C>T (p.Arg797Trp)

Gene: TNXB (tenascin XB; minus strand). Cytogenetic location: 6p21.33.
Variant type: single nucleotide variant.
Coding change: c.2389C>T on transcript NM_001365276.2 (MANE Select); coding-DNA position 2389, C replaced by T.
Protein change: p.Arg797Trp; replaces arginine 797 with tryptophan.
Molecular consequence: missense variant.
Genome position (GRCh38, 1-based): chr6:32,089,349, G>A on the plus strand (C>T on the coding strand, the complement: TNXB is on the minus strand). VCF-style: chr6-32089349-G-A. GRCh37 (hg19) VCF-style: chr6-32057126-G-A.
Other names: c.2389C>T, p.Arg797Trp (NM_019105.8); short protein forms R797W.
Identifiers: ClinVar variation 1722929 (VCV001722929.5), dbSNP rs563472994, ClinGen allele CA3735492.

ClinVar aggregate classification (germline): Uncertain significance. Review status: criteria provided, multiple submitters, no conflicts (2 of 4 stars). 3 submissions from 3 submitters: Uncertain significance (3). Last evaluated 2025-07-03.

Conditions:
Ehlers-Danlos syndrome due to tenascin-X deficiency (EDSCLL1). Also called: TNXB-Related Classical-Like Ehlers-Danlos Syndrome; EDS DUE TO TNX DEFICIENCY; TNX DEFICIENCY; EHLERS-DANLOS SYNDROME, CLASSIC-LIKE; Ehlers-Danlos syndrome, classic-like, 1. Identifiers: Orphanet 230839, MedGen C1848029, MONDO:0011670, OMIM 606408.
Vesicoureteral reflux 8 (VUR8). Identifiers: Orphanet 289365, MedGen C4014831, MONDO:0014422, OMIM 615963.
Cardiovascular phenotype. Identifiers: MedGen CN230736.

Allele frequency attached by ClinVar (database versions not stated): ExAC 0.00003; gnomAD 0.00004; TOPMed 0.00005; 1000 Genomes Project 0.00020; 1000 Genomes Project 30x 0.00031.
gnomAD v4.1: 25 of 1,608,230 alleles (0.0016%); highest among the groups gnomAD compares: East Asian, 0.0067%; no homozygotes.

Submissions (3):

Ambry Genetics
Classification: Uncertain significance for Cardiovascular phenotype. Last evaluated: 2025-07-03. Review status: criteria provided, single submitter. Criteria: Ambry Variant Classification Scheme 2023. Collection method: clinical testing. Allele origin: germline.
Comment: The p.R797W variant (also known as c.2389C>T), located in coding exon 4 of the TNXB gene, results from a C to T substitution at nucleotide position 2389. The arginine at codon 797 is replaced by tryptophan, an amino acid with dissimilar properties. This amino acid position is well conserved in available vertebrate species. In addition, this alteration is predicted to be tolerated by in silico analysis. Based on the available evidence, the clinical significance of this variant remains unclear.

GeneDx
Classification: Uncertain significance. Last evaluated: 2024-09-20. Review status: criteria provided, single submitter. Criteria: GeneDx Variant Classification Process June 2021. Collection method: clinical testing. Allele origin: germline. Affected: yes.
Comment: Has not been previously published as pathogenic or benign to our knowledge; In silico analysis supports that this missense variant has a deleterious effect on protein structure/function

Fulgent Genetics
Classification: Uncertain significance for Ehlers-Danlos syndrome due to tenascin-X deficiency; Vesicoureteral reflux 8. Last evaluated: 2024-04-01. Review status: criteria provided, single submitter. Criteria: ACMG Guidelines, 2015. Collection method: clinical testing. Allele origin: germline.